The following is an entry in ClinVar:

ClinVar aggregate classification (germline): Likely pathogenic (1 of 4 stars; one submission).

Conditions:
Non-acquired combined pituitary hormone deficiency with spine abnormalities (CPHD3). Also called: Winkelman Bethge Pfeiffer syndrome; WBP syndrome; Combined pituitary hormone deficiency type 3. Identifiers: Orphanet 231720, MedGen C3489787, MONDO:0009091, OMIM 221750.

Submission:

Natera, Inc.
Classification: Likely pathogenic for Combined pituitary hormone deficiency type 3. Last evaluated: 2025-12-09. Review status: criteria provided, single submitter. Criteria: Natera Variant Classification Schema (03/2026). Collection method: clinical testing. Allele origin: germline.
Comment: The c.987del variant in LHX3 is a frameshift variant predicted to shift the reading frame beginning at codon 330 and leads to a stop codon 34 codons downstream. This variant is expected to result in nonsense mediated decay, truncation, or a dysfunctional protein product. This variant is rare in the general population with a frequency below the threshold expected for the associated phenotype(s). Given the available evidence, this variant is classified as Likely Pathogenic.

NM_178138.6(LHX3):c.972del (p.Gln325fs)

Gene: LHX3 (LIM homeobox 3; minus strand). Cytogenetic location: 9q34.3.
Variant type: Deletion.
Coding change: c.972del on transcript NM_178138.6 (MANE Select); coding-DNA position 972, one base deleted (G; older notation c.972delG).
Protein change: p.Gln325fs; shifts the reading frame from glutamine 325.
Molecular consequence: frameshift variant.
Genome position (GRCh38, 1-based): chr9:136,197,547, C deleted on the plus strand (G on the coding strand, the reverse complement: LHX3 is on the minus strand). VCF-style (leftmost placement, unchanged base first): chr9-136197546-GC-G. GRCh37 (hg19) VCF-style: chr9-139089392-GC-G.
Other names: c.939del, p.Gln314fs (NM_001363746.1); c.987del, p.Gln330fs (NM_014564.5); short protein forms Q314fs, Q325fs, Q330fs.
Identifiers: ClinVar variation 4815728 (VCV004815728.1).